The following is an entry in ClinVar:

NM_004104.5(FASN):c.4159C>T (p.Arg1387Cys)

Gene: FASN (fatty acid synthase; minus strand). Cytogenetic location: 17q25.3.
Variant type: single nucleotide variant.
Coding change: c.4159C>T on transcript NM_004104.5 (MANE Select); coding-DNA position 4159, C replaced by T.
Protein change: p.Arg1387Cys; replaces arginine 1387 with cysteine.
Molecular consequence: missense variant.
Genome position (GRCh38, 1-based): chr17:82,085,366, G>A on the plus strand (C>T on the coding strand, the complement: FASN is on the minus strand). VCF-style: chr17-82085366-G-A. GRCh37 (hg19) VCF-style: chr17-80043242-G-A.
Other names: short protein forms R1387C.
Identifiers: ClinVar variation 856724 (VCV000856724.7), dbSNP rs143896704, ClinGen allele CA8852168.

ClinVar aggregate classification (germline): Uncertain significance (1 of 4 stars; one submission).

Conditions:
Epileptic encephalopathy. Identifiers: MedGen C0543888, HP:0200134.

Allele frequency attached by ClinVar (database versions not stated): gnomAD exomes 0.00008 and 0.00026; ExAC 0.00010; TOPMed 0.00017; gnomAD 0.00020 and 0.00021; ESP Exome Variant Server 0.00031.
gnomAD v4.1: 420 of 1,611,460 alleles (0.026%); highest among the groups gnomAD compares: Non-Finnish European, 0.032%; no homozygotes.

Submission:

Labcorp Genetics (formerly Invitae), Labcorp
Classification: Uncertain significance for Epileptic encephalopathy. Last evaluated: 2025-06-10. Review status: criteria provided, single submitter. Criteria: Invitae Variant Classification Sherloc (09022015). Collection method: clinical testing. Allele origin: germline.
Comment: This sequence change replaces arginine, which is basic and polar, with cysteine, which is neutral and slightly polar, at codon 1387 of the FASN protein (p.Arg1387Cys). This variant is present in population databases (rs143896704, gnomAD 0.02%). This variant has not been reported in the literature in individuals affected with FASN-related conditions. ClinVar contains an entry for this variant (Variation ID: 856724). An algorithm developed to predict the effect of missense changes on protein structure and function outputs the following: PolyPhen-2: "Possibly Damaging". The cysteine amino acid residue is found in multiple mammalian species, which suggests that this missense change does not adversely affect protein function. In summary, the available evidence is currently insufficient to determine the role of this variant in disease. Therefore, it has been classified as a Variant of Uncertain Significance.